The following is an entry in ClinVar:

ClinVar aggregate classification (germline): Uncertain significance (1 of 4 stars; one submission).

Conditions:
Autosomal recessive limb-girdle muscular dystrophy type 2J (LGMDR10). Also called: Limb-girdle muscular dystrophy, type 2J; MUSCULAR DYSTROPHY, LIMB-GIRDLE, AUTOSOMAL RECESSIVE 10. Identifiers: Orphanet 140922, MedGen C1837342, MONDO:0012127, OMIM 608807.
Dilated cardiomyopathy 1G (CMD1G). Identifiers: Orphanet 154, MedGen C1858763, MONDO:0011400, OMIM 604145.

Submission:

Labcorp Genetics (formerly Invitae), Labcorp
Classification: Uncertain significance for Dilated cardiomyopathy 1G; Limb-girdle muscular dystrophy, type 2J. Last evaluated: 2018-06-22. Review status: criteria provided, single submitter. Criteria: Invitae Variant Classification Sherloc (09022015). Collection method: clinical testing. Allele origin: germline.
Comment: This sequence change replaces methionine with isoleucine at codon 1339 of the TTN protein (p.Met1339Ile). There is a small physicochemical difference between methionine and isoleucine. This variant is not present in population databases (ExAC no frequency). This variant has not been reported in the literature in individuals with TTN-related disease. In summary, the available evidence is currently insufficient to determine the role of this variant in disease. Therefore, it has been classified as a Variant of Uncertain Significance.

NM_001267550.2(TTN):c.4017G>C (p.Met1339Ile)

Genes: TTN (titin; minus strand), LOC101927055 (uncharacterized LOC101927055; plus strand). Cytogenetic location: 2q31.2.
Variant type: single nucleotide variant.
Coding change: c.4017G>C on transcript NM_001267550.2 (MANE Select); coding-DNA position 4017, G replaced by C.
Protein change: p.Met1339Ile; replaces methionine 1339 with isoleucine.
Molecular consequence: missense variant.
Genome position (GRCh38, 1-based): chr2:178,779,065, C>G on the plus strand (G>C on the coding strand, the complement: TTN is on the minus strand). VCF-style: chr2-178779065-C-G. GRCh37 (hg19) VCF-style: chr2-179643792-C-G.
Other names: c.4017G>C, p.Met1339Ile (NM_001256850.1, NM_133378.4, NM_133379.5); c.3879G>C, p.Met1293Ile (NM_003319.4, NM_133432.3, NM_133437.4); short protein forms M1339I, M1293I.
Identifiers: ClinVar variation 576986 (VCV000576986.1), dbSNP rs1561323191, ClinGen allele CA349474741.